The following is an entry in ClinVar:

NM_003919.3(SGCE):c.45G>A (p.Trp15Ter)

Gene: SGCE (sarcoglycan epsilon; minus strand). Cytogenetic location: 7q21.3.
Variant type: single nucleotide variant.
Coding change: c.45G>A on transcript NM_003919.3 (MANE Select); coding-DNA position 45, G replaced by A.
Protein change: p.Trp15Ter; replaces tryptophan 15 with a stop codon.
Molecular consequence: nonsense. On other transcripts: 5 prime UTR variant (4).
Genome position (GRCh38, 1-based): chr7:94,656,054, C>T on the plus strand (G>A on the coding strand, the complement: SGCE is on the minus strand). VCF-style: chr7-94656054-C-T. GRCh37 (hg19) VCF-style: chr7-94285366-C-T.
Other names: c.45G>A, p.Trp15Ter (NM_001099400.2, NM_001099401.2, NM_001301139.2 and 4 more transcripts); c.-213G>A (NM_001346719.2); c.-291G>A (NM_001346720.2, NM_001362808.2); c.-219G>A (NM_001362807.2); short protein forms W15*.
Identifiers: ClinVar variation 451828 (VCV000451828.9), dbSNP rs1295669429, ClinGen allele CA368393674.

ClinVar aggregate classification (germline): Conflicting classifications of pathogenicity. Review status: criteria provided, conflicting classifications (1 of 4 stars). 3 submissions from 3 submitters: Likely pathogenic (2); Uncertain significance (1). Last evaluated 2023-03-26.

Conditions:
Myoclonic dystonia 11 (DYT11). Also called: DYT-SGCE; Myoclonic dystonia; Dystonia 11; Dystonia, alcohol responsive; Hereditary essential myoclonus; SGCE Myoclonus-Dystonia. Identifiers: Orphanet 36899, MedGen C1834570, MONDO:0008044, OMIM 159900.

Allele frequency attached by ClinVar (database versions not stated): TOPMed below 0.00001; gnomAD 0.00001.

Submissions (3):

Labcorp Genetics (formerly Invitae), Labcorp
Classification: Uncertain significance for Myoclonic dystonia 11. Last evaluated: 2023-03-26. Review status: criteria provided, single submitter. Criteria: Invitae Variant Classification Sherloc (09022015). Collection method: clinical testing. Allele origin: germline.
Comment: In summary, the available evidence is currently insufficient to determine the role of this variant in disease. Therefore, it has been classified as a Variant of Uncertain Significance. Experimental studies and prediction algorithms are not available or were not evaluated, and the functional significance of this variant is currently unknown. ClinVar contains an entry for this variant (Variation ID: 451828). This variant has not been reported in the literature in individuals affected with SGCE-related conditions. This variant is not present in population databases (gnomAD no frequency). This sequence change creates a premature translational stop signal (p.Trp15*) in the SGCE gene. While this is not anticipated to result in nonsense mediated decay, it is expected to disrupt the last 423 amino acid(s) of the SGCE protein.

Illumina Laboratory Services, Illumina
Classification: Likely pathogenic. Last evaluated: 2022-10-26. Review status: criteria provided, single submitter. Criteria: ICSL CNVClassificationCriteria Aug2020. Collection method: clinical testing. Allele origin: unknown. Affected: yes.
Comment: The SGCE c.45G>A (p.Trp15Ter) nonsense variant results in the substitution of tryptophan at amino acid position 15 with a stop codon. Loss of normal protein function through either protein truncation or nonsense-mediated mRNA decay is expected. To our knowledge, this variant has not been reported in the peer-reviewed literature. This variant is reported in the Genome Aggregation Database in two alleles at a frequency of 0.000048 in the African population (version 3.1.2). Based on the available evidence, the c.45G>A (p.Trp15Ter) variant is classified as likely pathogenic for myoclonic dystonia.

GeneDx
Classification: Likely pathogenic. Last evaluated: 2022-06-03. Review status: criteria provided, single submitter. Criteria: GeneDx Variant Classification Process June 2021. Collection method: clinical testing. Allele origin: germline. Affected: yes.
Comment: Nonsense variant predicted to result in protein truncation or nonsense mediated decay in a gene for which loss of function is a known mechanism of disease; Not observed at significant frequency in large population cohorts (gnomAD); Has not been previously published as pathogenic or benign to our knowledge